The following is an entry in ClinVar:

NM_205836.3(FBXO38):c.814G>A (p.Val272Ile)

Gene: FBXO38 (F-box protein 38; plus strand). Cytogenetic location: 5q32.
Variant type: single nucleotide variant.
Coding change: c.814G>A on transcript NM_205836.3 (MANE Select); coding-DNA position 814, G replaced by A.
Protein change: p.Val272Ile; replaces valine 272 with isoleucine.
Molecular consequence: missense variant.
Genome position (GRCh38, 1-based): chr5:148,406,340, G>A. VCF-style: chr5-148406340-G-A. GRCh37 (hg19) VCF-style: chr5-147785903-G-A.
Other names: c.814G>A, p.Val272Ile (NM_001271723.2, NM_030793.5); short protein forms V272I.
Identifiers: ClinVar variation 3017875 (VCV003017875.3), dbSNP rs1216060808, ClinGen allele CA361656497.

ClinVar aggregate classification (germline): Uncertain significance (1 of 4 stars; one submission).

Conditions:
Distal hereditary motor neuropathy type 2. Identifiers: Orphanet 139525, MedGen C3711384, MeSH C580044, MONDO:0015352.

Allele frequency attached by ClinVar (database versions not stated): gnomAD exomes below 0.00001; gnomAD 0.00001.
gnomAD v4.1: 5 of 1,608,838 alleles (0.00031%); highest among the groups gnomAD compares: African/African-American, 0.0067%; no homozygotes.

Submission:

Labcorp Genetics (formerly Invitae), Labcorp
Classification: Uncertain significance for Distal hereditary motor neuropathy type 2. Last evaluated: 2024-04-22. Review status: criteria provided, single submitter. Criteria: Invitae Variant Classification Sherloc (09022015). Collection method: clinical testing. Allele origin: germline.
Comment: This sequence change replaces valine, which is neutral and non-polar, with isoleucine, which is neutral and non-polar, at codon 272 of the FBXO38 protein (p.Val272Ile). This variant is present in population databases (no rsID available, gnomAD 0.01%). This variant has not been reported in the literature in individuals affected with FBXO38-related conditions. Advanced modeling of protein sequence and biophysical properties (such as structural, functional, and spatial information, amino acid conservation, physicochemical variation, residue mobility, and thermodynamic stability) performed at Invitae indicates that this missense variant is expected to disrupt FBXO38 protein function with a positive predictive value of 80%. In summary, the available evidence is currently insufficient to determine the role of this variant in disease. Therefore, it has been classified as a Variant of Uncertain Significance.